The following is an entry in ClinVar:

NM_001122630.2(CDKN1C):c.800A>T (p.Lys267Met)

Gene: CDKN1C (cyclin dependent kinase inhibitor 1C; minus strand). Cytogenetic location: 11p15.4.
Variant type: single nucleotide variant.
Coding change: c.800A>T on transcript NM_001122630.2 (MANE Select); coding-DNA position 800, A replaced by T.
Protein change: p.Lys267Met; replaces lysine 267 with methionine.
Molecular consequence: missense variant.
Genome position (GRCh38, 1-based): chr11:2,884,122, T>A on the plus strand (A>T on the coding strand, the complement: CDKN1C is on the minus strand). VCF-style: chr11-2884122-T-A. GRCh37 (hg19) VCF-style: chr11-2905352-T-A.
Other names: c.833A>T, p.Lys278Met (NM_000076.2, NM_001362474.2); c.800A>T, p.Lys267Met (NM_001122631.2); c.268A>T, p.Ser90Cys (NM_001362475.2); short protein forms K267M, K278M, S90C.
Identifiers: ClinVar variation 3376101 (VCV003376101.1).
Genomic context (GRCh38, chr11:2,884,122, plus strand): 5'-GGAGAGGGACACGGCGCGGGGACATCGCCCGACGACTTCTCAGGCGCTGATCTCTTGCGC[T>A]TGGCGAAGAAATCTGCGGGCGACAGCGCGCGCGGCCGGTCAGGGCGGGGCCGGCCCGGAG-3'
Protein context (NP_001116102.1, residues 257-277): SGPLISDFFA[Lys267Met]RKRSAPEKSS

ClinVar aggregate classification (germline): Uncertain significance (1 of 4 stars; one submission).

Submission:

GeneDx
Classification: Uncertain significance. Last evaluated: 2024-05-09. Review status: criteria provided, single submitter. Criteria: GeneDx Variant Classification Process June 2021. Collection method: clinical testing. Allele origin: germline. Affected: yes.
Comment: Not observed at significant frequency in large population cohorts (gnomAD); In silico analysis supports that this missense variant has a deleterious effect on protein structure/function; Has not been previously published as pathogenic or benign to our knowledge